The following is an entry in ClinVar:

NM_001005242.3(PKP2):c.1820G>A (p.Arg607Gln)

Gene: PKP2 (plakophilin 2; minus strand). Cytogenetic location: 12p11.21.
Variant type: single nucleotide variant.
Coding change: c.1820G>A on transcript NM_001005242.3 (MANE Select); coding-DNA position 1820, G replaced by A.
Protein change: p.Arg607Gln; replaces arginine 607 with glutamine.
Molecular consequence: missense variant.
Genome position (GRCh38, 1-based): chr12:32,822,486, C>T on the plus strand (G>A on the coding strand, the complement: PKP2 is on the minus strand). VCF-style: chr12-32822486-C-T. GRCh37 (hg19) VCF-style: chr12-32975420-C-T.
Other names: c.1952G>A, p.Arg651Gln (NM_004572.4); short protein forms R651Q, R607Q.
Identifiers: ClinVar variation 1047065 (VCV001047065.11), dbSNP rs763648594, ClinGen allele CA031585.

ClinVar aggregate classification (germline): Uncertain significance. Review status: criteria provided, multiple submitters, no conflicts (2 of 4 stars). 4 submissions from 4 submitters: Uncertain significance (4). Last evaluated 2025-06-11.

Conditions:
Cardiovascular phenotype. Identifiers: MedGen CN230736.
Arrhythmogenic right ventricular cardiomyopathy (ARVD). Also called: Cardiomyopathy, ARVC; Arrhythmogenic right ventricular dysplasia; Arrhythmogenic cardiomyopathy; Arrhythmogenic Right Ventricular Cardiomyopathy (ARVC). Identifiers: Orphanet 247, MedGen C0349788, MeSH D019571, MONDO:0016587. Disease mechanism: loss of function. Inheritance: Various modes of inheritance.
Cardiomyopathy (CMYO). Also called: Cardiomyopathies. Identifiers: Orphanet 167848, MedGen C0878544, MONDO:0004994, HP:0001638. Inheritance: Various modes of inheritance.
Arrhythmogenic right ventricular dysplasia 9 (ARVD9). Also called: Arrhythmogenic Right Ventricular Dysplasia/Cardiomyopathy 9; ARRHYTHMOGENIC RIGHT VENTRICULAR DYSPLASIA, FAMILIAL, 9. Identifiers: MedGen C1836906, MONDO:0012180, OMIM 609040.

Allele frequency attached by ClinVar (database versions not stated): gnomAD exomes below 0.00001; TOPMed below 0.00001; ExAC 0.00001; gnomAD 0.00002.
gnomAD v4.1: 9 of 1,613,904 alleles (0.00056%); highest among the groups gnomAD compares: African/African-American, 0.0053%; no homozygotes.

Submissions (4):

Color Diagnostics, LLC DBA Color Health
Classification: Uncertain significance for Cardiomyopathy. Last evaluated: 2025-06-11. Review status: criteria provided, single submitter. Criteria: ACMG Guidelines, 2015. Collection method: clinical testing. Allele origin: germline.
Comment: This missense variant replaces arginine with glutamine at codon 651 of the PKP2 protein. Computational prediction suggests that this variant may not impact protein structure and function. To our knowledge, functional studies have not been reported for this variant. This variant has not been reported in individuals affected with PKP2-related disorders in the literature. This variant has been identified in 3/282696 chromosomes in the general population by the Genome Aggregation Database (gnomAD). The available evidence is insufficient to determine the role of this variant in disease conclusively. Therefore, this variant is classified as a Variant of Uncertain Significance.

Labcorp Genetics (formerly Invitae), Labcorp
Classification: Uncertain significance for Arrhythmogenic right ventricular dysplasia 9. Last evaluated: 2025-01-22. Review status: criteria provided, single submitter. Criteria: Invitae Variant Classification Sherloc (09022015). Collection method: clinical testing. Allele origin: germline.
Comment: This sequence change replaces arginine, which is basic and polar, with glutamine, which is neutral and polar, at codon 651 of the PKP2 protein (p.Arg651Gln). This variant is present in population databases (rs763648594, gnomAD 0.01%). This variant has not been reported in the literature in individuals affected with PKP2-related conditions. ClinVar contains an entry for this variant (Variation ID: 1047065). An algorithm developed to predict the effect of missense changes on protein structure and function (PolyPhen-2) suggests that this variant is likely to be disruptive. In summary, the available evidence is currently insufficient to determine the role of this variant in disease. Therefore, it has been classified as a Variant of Uncertain Significance.

All of Us Research Program, National Institutes of Health
Classification: Uncertain significance for Arrhythmogenic right ventricular cardiomyopathy. Last evaluated: 2023-11-30. Review status: criteria provided, single submitter. Criteria: ACMG Guidelines, 2015. Collection method: clinical testing. Allele origin: germline. Inheritance: Autosomal dominant inheritance. Observed: 1 variant allele, 1 heterozygote.
Comment: This study involves interpretation of variants in research participants for the purpose of population health screening. Participant phenotype was not available at the time of variant classification. Additional details can be found in publication PMID: 35346344, PMCID: PMC8962531

Ambry Genetics
Classification: Uncertain significance for Cardiovascular phenotype. Last evaluated: 2022-05-06. Review status: criteria provided, single submitter. Criteria: Ambry Variant Classification Scheme 2023. Collection method: clinical testing. Allele origin: germline.
Comment: The p.R651Q variant (also known as c.1952G>A), located in coding exon 9 of the PKP2 gene, results from a G to A substitution at nucleotide position 1952. The arginine at codon 651 is replaced by glutamine, an amino acid with highly similar properties. This amino acid position is conserved. In addition, the in silico prediction for this alteration is inconclusive. Since supporting evidence is limited at this time, the clinical significance of this alteration remains unclear.